The following is an entry in ClinVar:

ClinVar aggregate classification (germline): Uncertain significance (1 of 4 stars; one submission).

Conditions:
Progressive sclerosing poliodystrophy (MTDPS4A). Also called: ALPERS PROGRESSIVE INFANTILE POLIODYSTROPHY; NEURONAL DEGENERATION OF CHILDHOOD WITH LIVER DISEASE, PROGRESSIVE; Mitochondrial DNA depletion syndrome 4A (Alpers type); Alpers Syndrome; ALPERS DIFFUSE DEGENERATION OF CEREBRAL GRAY MATTER WITH HEPATIC CIRRHOSIS; Alpers-Huttenlocher Syndrome. Identifiers: Orphanet 726, MedGen C0205710, MONDO:0008758, OMIM 203700.

Allele frequency attached by ClinVar (database versions not stated): gnomAD exomes below 0.00001.
gnomAD v4.1: 1 of 1,613,432 alleles (0.000062%); highest among the groups gnomAD compares: South Asian, 0.0011%; no homozygotes.

Submission:

Labcorp Genetics (formerly Invitae), Labcorp
Classification: Uncertain significance for Progressive sclerosing poliodystrophy. Last evaluated: 2023-02-16. Review status: criteria provided, single submitter. Criteria: Invitae Variant Classification Sherloc (09022015). Collection method: clinical testing. Allele origin: germline.
Comment: This sequence change replaces proline, which is neutral and non-polar, with leucine, which is neutral and non-polar, at codon 765 of the POLG protein (p.Pro765Leu). This variant is not present in population databases (gnomAD no frequency). This missense change has been observed in individual(s) with autosomal recessive POLG-related conditions (PMID: 30818899). Advanced modeling of protein sequence and biophysical properties (such as structural, functional, and spatial information, amino acid conservation, physicochemical variation, residue mobility, and thermodynamic stability) performed at Invitae indicates that this missense variant is expected to disrupt POLG protein function. This variant disrupts the p.Pro765 amino acid residue in POLG. Other variant(s) that disrupt this residue have been observed in individuals with POLG-related conditions (PMID: 22805437, 30818899), which suggests that this may be a clinically significant amino acid residue. In summary, the available evidence is currently insufficient to determine the role of this variant in disease. Therefore, it has been classified as a Variant of Uncertain Significance.

Literature cited by the submitters: PubMed 30818899; PubMed 22805437.

NM_002693.3(POLG):c.2294C>T (p.Pro765Leu)

Gene: POLG (DNA polymerase gamma, catalytic subunit; minus strand). Cytogenetic location: 15q26.1.
Variant type: single nucleotide variant.
Coding change: c.2294C>T on transcript NM_002693.3 (MANE Select); coding-DNA position 2294, C replaced by T.
Protein change: p.Pro765Leu; replaces proline 765 with leucine.
Molecular consequence: missense variant.
Genome position (GRCh38, 1-based): chr15:89,322,874, G>A on the plus strand (C>T on the coding strand, the complement: POLG is on the minus strand). VCF-style: chr15-89322874-G-A. GRCh37 (hg19) VCF-style: chr15-89866105-G-A.
Other names: c.2294C>T, p.Pro765Leu (NM_001126131.2); short protein forms P765L.
Identifiers: ClinVar variation 2907474 (VCV002907474.3), dbSNP rs2509227201, ClinGen allele CA393756542.
Genomic context (GRCh38, chr15:89,322,874, plus strand): 5'-CCTCCTGGGCCAGCCTGCAGGGTGCCATCCTCCATCTTGGGCAGGAAGTCCTTGGCAAAG[G>A]GGCTTCCCACATTACAGCTATTACCATCCTGGACAGAGCAAAGGAAGCAGGGGCTGGAGG-3'
Protein context (NP_002684.1, residues 755-775): KDGNSCNVGS[Pro765Leu]FAKDFLPKME